The following is an entry in ClinVar:

ClinVar aggregate classification (germline): Uncertain significance (1 of 4 stars; one submission).

Submission:

Ambry Genetics
Classification: Uncertain significance. Last evaluated: 2022-04-07. Review status: criteria provided, single submitter. Criteria: Ambry Variant Classification Scheme 2023. Collection method: clinical testing. Allele origin: germline.
Comment: The p.P284Q variant (also known as c.851C>A), located in coding exon 3 of the TERF2IP gene, results from a C to A substitution at nucleotide position 851. The proline at codon 284 is replaced by glutamine, an amino acid with similar properties. This amino acid position is conserved. In addition, this alteration is predicted to be tolerated by in silico analysis. Since supporting evidence is limited at this time, the clinical significance of this alteration remains unclear.

NM_018975.4(TERF2IP):c.851C>A (p.Pro284Gln)

Gene: TERF2IP (TERF2 interacting protein; plus strand). Cytogenetic location: 16q23.1.
Variant type: single nucleotide variant.
Coding change: c.851C>A on transcript NM_018975.4 (MANE Select); coding-DNA position 851, C replaced by A.
Protein change: p.Pro284Gln; replaces proline 284 with glutamine.
Molecular consequence: missense variant. On other transcripts: non-coding transcript variant (1).
Genome position (GRCh38, 1-based): chr16:75,656,262, C>A. VCF-style: chr16-75656262-C-A. GRCh37 (hg19) VCF-style: chr16-75690160-C-A.
Other names: short protein forms P284Q.
Identifiers: ClinVar variation 1763706 (VCV001763706.2), dbSNP rs199604402, ClinGen allele CA396819722.